The following is an entry in ClinVar:

ClinVar aggregate classification (germline): Likely benign (1 of 4 stars; one submission).

gnomAD v4.1: 653 of 1,612,894 alleles (0.04%); highest among the groups gnomAD compares: Non-Finnish European, 0.052%; no homozygotes.

Submission:

CeGaT Center for Human Genetics Tuebingen
Classification: Likely benign. Last evaluated: 2025-11-01. Review status: criteria provided, single submitter. Criteria: CeGaT Center For Human Genetics Tuebingen Variant Classification Criteria Version 2. Collection method: clinical testing. Allele origin: germline. Affected: yes. Observed: 1 variant allele.
Comment: PSMD12: BP4, BP7

NM_002816.5(PSMD12):c.522C>T (p.Tyr174=)

Gene: PSMD12 (proteasome 26S subunit, non-ATPase 12; minus strand). Cytogenetic location: 17q24.2.
Variant type: single nucleotide variant.
Coding change: c.522C>T on transcript NM_002816.5 (MANE Select); coding-DNA position 522, C replaced by T.
Protein change: p.Tyr174=; no amino-acid change (tyrosine 174 retained).
Molecular consequence: synonymous variant.
Genome position (GRCh38, 1-based): chr17:67,347,474, G>A on the plus strand (C>T on the coding strand, the complement: PSMD12 is on the minus strand). VCF-style: chr17-67347474-G-A. GRCh37 (hg19) VCF-style: chr17-65343590-G-A.
Other names: c.345C>T, p.Tyr115= (NM_001316341.2); c.462C>T, p.Tyr154= (NM_174871.4).
Identifiers: ClinVar variation 4533660 (VCV004533660.6).
Genomic context (GRCh38, chr17:67,347,474, plus strand): 5'-TAGGCAGAGCCTCATTTGCTCCAAAATAAATTCCACTCGCTCTTTCTTTTCCATTGACCC[G>A]TAGGTTTCCACCTAGCACAGTAATTCCCCAAATAAGTTTATAATACTTTGCAATTTTGTG-3'
Protein context (NP_002807.1, residues 164-184): SILQELQVET[Tyr174=]GSMEKKERVE